The following is an entry in ClinVar:

NM_015346.4(ZFYVE26):c.443G>T (p.Arg148Leu)

Gene: ZFYVE26 (zinc finger FYVE-type containing 26; minus strand). Cytogenetic location: 14q24.1.
Variant type: single nucleotide variant.
Coding change: c.443G>T on transcript NM_015346.4 (MANE Select); coding-DNA position 443, G replaced by T.
Protein change: p.Arg148Leu; replaces arginine 148 with leucine.
Molecular consequence: missense variant.
Genome position (GRCh38, 1-based): chr14:67,807,841, C>A on the plus strand (G>T on the coding strand, the complement: ZFYVE26 is on the minus strand). VCF-style: chr14-67807841-C-A. GRCh37 (hg19) VCF-style: chr14-68274558-C-A.
Other names: short protein forms R148L.
Identifiers: ClinVar variation 313926 (VCV000313926.7), dbSNP rs144919978, ClinGen allele CA7240785.

ClinVar aggregate classification (germline): Uncertain significance. Review status: criteria provided, multiple submitters, no conflicts (2 of 4 stars). 3 submissions from 3 submitters: Uncertain significance (3). Last evaluated 2023-12-28.

Conditions:
Inborn genetic diseases. Identifiers: MedGen C0950123, MeSH D030342.
Spastic paraplegia. Identifiers: MedGen C0037772, HP:0001258.
Hereditary spastic paraplegia 15 (SPG15). Also called: SPASTIC PARAPLEGIA 15, AUTOSOMAL RECESSIVE; KJELLIN SYNDROME; SPASTIC PARAPLEGIA AND RETINAL DEGENERATION. Identifiers: Orphanet 100996, MedGen C1849128, MONDO:0010044, OMIM 270700.

Allele frequency attached by ClinVar (database versions not stated): TOPMed 0.00001.
gnomAD v4.1: 8 of 1,613,778 alleles (0.0005%); highest among the groups gnomAD compares: African/African-American, 0.0013%; no homozygotes.

Submissions (3):

Ambry Genetics
Classification: Uncertain significance for Inborn genetic diseases. Last evaluated: 2023-12-28. Review status: criteria provided, single submitter. Criteria: Ambry Variant Classification Scheme 2023. Collection method: clinical testing. Allele origin: germline.

Labcorp Genetics (formerly Invitae), Labcorp
Classification: Uncertain significance for Spastic paraplegia. Last evaluated: 2021-09-02. Review status: criteria provided, single submitter. Criteria: Invitae Variant Classification Sherloc (09022015). Collection method: clinical testing. Allele origin: germline.
Comment: This sequence change replaces arginine with leucine at codon 148 of the ZFYVE26 protein (p.Arg148Leu). The arginine residue is moderately conserved and there is a moderate physicochemical difference between arginine and leucine. This variant is present in population databases (rs144919978, ExAC 0.002%). This variant has not been reported in the literature in individuals affected with ZFYVE26-related conditions. ClinVar contains an entry for this variant (Variation ID: 313926). Algorithms developed to predict the effect of missense changes on protein structure and function are either unavailable or do not agree on the potential impact of this missense change (SIFT: "Deleterious"; PolyPhen-2: "Benign"; Align-GVGD: "Class C0"). In summary, the available evidence is currently insufficient to determine the role of this variant in disease. Therefore, it has been classified as a Variant of Uncertain Significance.

Illumina Laboratory Services, Illumina
Classification: Uncertain significance for Hereditary spastic paraplegia 15. Last evaluated: 2018-01-12. Review status: criteria provided, single submitter. Criteria: ICSL Variant Classification Criteria 13 December 2019. Collection method: clinical testing. Allele origin: germline.